The following is an entry in ClinVar:

NM_015909.4(NBAS):c.2340-10del

Gene: NBAS (NBAS subunit of NRZ tethering complex; minus strand). Cytogenetic location: 2p24.3.
Variant type: Deletion.
Coding change: c.2340-10del on transcript NM_015909.4 (MANE Select); 10 bases into the intron before coding-DNA position 2340, one base deleted (T; older notation c.2340-10delT).
Molecular consequence: intron variant.
Genome position (GRCh38, 1-based): chr2:15,427,804, A deleted on the plus strand (T on the coding strand, the reverse complement: NBAS is on the minus strand); the first of 9 consecutive A bases (chr2:15,427,804-15,427,812); deleting any one gives the same sequence. VCF-style (leftmost placement, unchanged base first): chr2-15427803-TA-T. GRCh37 (hg19) VCF-style: chr2-15567927-TA-T.
Other names: c.2340-10delT (NM_015909.3).
Identifiers: ClinVar variation 2190461 (VCV002190461.6), dbSNP rs142040693, ClinGen allele CA1536377.

ClinVar aggregate classification (germline): Benign. Review status: criteria provided, single submitter (1 of 4 stars). 2 submissions from 2 submitters: Benign (1). 1 of the submissions does not count toward it. Last evaluated 2025-12-11.

Conditions:
NBAS-related disorder. Also called: NBAS-related condition.

Submissions (2):

Labcorp Genetics (formerly Invitae), Labcorp
Classification: Benign. Last evaluated: 2025-12-11. Review status: criteria provided, single submitter. Criteria: Invitae Variant Classification Sherloc (09022015). Collection method: clinical testing. Allele origin: germline.

PreventionGenetics, part of Exact Sciences
Classification: Likely benign for NBAS-related condition. Last evaluated: 2021-11-22. Review status: no assertion criteria provided. Collection method: clinical testing. Allele origin: germline. Not counted in ClinVar's aggregate classification.
Comment: This variant is classified as likely benign based on ACMG/AMP sequence variant interpretation guidelines (Richards et al. 2015 PMID: 25741868, with internal and published modifications).